The following is an entry in ClinVar:

NM_025179.4(PLXNA2):c.2293A>G (p.Ser765Gly)

Gene: PLXNA2 (plexin A2; minus strand). Cytogenetic location: 1q32.2.
Variant type: single nucleotide variant.
Coding change: c.2293A>G on transcript NM_025179.4 (MANE Select); coding-DNA position 2293, A replaced by G.
Protein change: p.Ser765Gly; replaces serine 765 with glycine.
Molecular consequence: missense variant.
Genome position (GRCh38, 1-based): chr1:208,084,385, T>C on the plus strand (A>G on the coding strand, the complement: PLXNA2 is on the minus strand). VCF-style: chr1-208084385-T-C. GRCh37 (hg19) VCF-style: chr1-208257730-T-C.
Other names: short protein forms S765G.
Identifiers: ClinVar variation 4987658 (VCV004987658.1).
Genomic context (GRCh38, chr1:208,084,385, plus strand): 5'-CACGAGTGTGAGAGGAAGCCCTGCTCCAGGCAGGGCCCAGCCTGCGTTTTCTTACCGAGC[T>C]GTTCTGACACTGAACGCTGGAGCTGTTGAAGCGCAGAGCGGGGACCCGGTGGATGGCTCC-3'
Protein context (NP_079455.3, residues 755-775): FNSSSVQCQN[Ser765Gly]SYQYDGMDIS

ClinVar aggregate classification (germline): Uncertain significance (1 of 4 stars; one submission).

Conditions:
PLXNA2-related disorder. Also called: PLXNA2-related condition.

gnomAD v4.1: 12 of 1,614,088 alleles (0.00074%); highest among the groups gnomAD compares: Admixed American, 0.0033%; no homozygotes.

Submission:

PreventionGenetics, part of Exact Sciences
Classification: Uncertain significance for PLXNA2-related condition. Last evaluated: 2026-05-07. Review status: criteria provided, single submitter. Criteria: ACMG Guidelines, 2015. Collection method: clinical testing. Allele origin: germline.
Comment: The PLXNA2 c.2293A>G variant is predicted to result in the amino acid substitution p.Ser765Gly. To our knowledge, this variant has not been reported in the literature. This variant is reported in 0.0099% of alleles in individuals of Ashkenazi Jewish descent in gnomAD. At this time, the clinical significance of this variant is uncertain due to the absence of conclusive functional and genetic evidence.